The following is an entry in ClinVar:

NM_001267550.2(TTN):c.5446del (p.Ile1816fs)

Gene: TTN (titin; minus strand). Cytogenetic location: 2q31.2.
Variant type: Deletion.
Coding change: c.5446del on transcript NM_001267550.2 (MANE Select); coding-DNA position 5446, one base deleted (A; older notation c.5446delA).
Protein change: p.Ile1816fs; shifts the reading frame from isoleucine 1816.
Molecular consequence: frameshift variant.
Genome position (GRCh38, 1-based): chr2:178,776,418, T deleted on the plus strand (A on the coding strand, the reverse complement: TTN is on the minus strand); the first of 2 consecutive T bases (chr2:178,776,418-178,776,419); deleting either gives the same sequence. VCF-style (leftmost placement, unchanged base first): chr2-178776417-AT-A. GRCh37 (hg19) VCF-style: chr2-179641144-AT-A.
Other names: c.5446del, p.Ile1816fs (NM_001256850.1, NM_133378.4, NM_133379.5); c.5308del, p.Ile1770fs (NM_003319.4, NM_133432.3, NM_133437.4); short protein forms I1770fs, I1816fs.
Identifiers: ClinVar variation 2036452 (VCV002036452.4), dbSNP rs2532871894, ClinGen allele CA2580065252.

ClinVar aggregate classification (germline): Likely pathogenic (1 of 4 stars; one submission).

Conditions:
Dilated cardiomyopathy 1G (CMD1G). Identifiers: Orphanet 154, MedGen C1858763, MONDO:0011400, OMIM 604145.
Autosomal recessive limb-girdle muscular dystrophy type 2J (LGMDR10). Also called: MUSCULAR DYSTROPHY, LIMB-GIRDLE, AUTOSOMAL RECESSIVE 10; Limb-girdle muscular dystrophy, type 2J. Identifiers: Orphanet 140922, MedGen C1837342, MONDO:0012127, OMIM 608807.

Submission:

Labcorp Genetics (formerly Invitae), Labcorp
Classification: Likely pathogenic for Dilated cardiomyopathy 1G; Autosomal recessive limb-girdle muscular dystrophy type 2J. Last evaluated: 2024-11-10. Review status: criteria provided, single submitter. Criteria: Invitae Variant Classification Sherloc (09022015). Collection method: clinical testing. Allele origin: germline.
Comment: This sequence change creates a premature translational stop signal (p.Ile1816Leufs*4) in the TTN gene. While this is not anticipated to result in nonsense mediated decay, it is expected to create a truncated TTN protein. This variant is not present in population databases (gnomAD no frequency). This variant has not been reported in the literature in individuals affected with TTN-related conditions. ClinVar contains an entry for this variant (Variation ID: 2036452). This variant is located in the Z band of TTN (PMID: 25589632). Truncating variants in this region have been reported in individuals affected with autosomal recessive centronuclear myopathy (PMID: 33449170, internal data). Truncating variants in this region have also been identified in individuals affected with autosomal dominant dilated cardiomyopathy and/or cardio-related conditions (PMID: 27869827, 32964742, internal data). In summary, the currently available evidence indicates that the variant is pathogenic, but additional data are needed to prove that conclusively. Therefore, this variant has been classified as Likely Pathogenic.

Literature cited by the submitters: PubMed 25589632; PubMed 33449170; PubMed 27869827; PubMed 32964742.